The following is an entry in ClinVar:

NM_002890.3(RASA1):c.657A>G (p.Ser219=)

Genes: CCNH (cyclin H; minus strand), RASA1 (RAS p21 protein activator 1; plus strand). Cytogenetic location: 5q14.3.
Variant type: single nucleotide variant.
Coding change: c.657A>G on transcript NM_002890.3 (MANE Select); coding-DNA position 657, A replaced by G.
Protein change: p.Ser219=; no amino-acid change (serine 219 retained).
Molecular consequence: synonymous variant. On other transcripts: intron variant (1).
Genome position (GRCh38, 1-based): chr5:87,331,465, A>G. VCF-style: chr5-87331465-A-G. GRCh37 (hg19) VCF-style: chr5-86627282-A-G.
Other names: c.126A>G, p.Ser42= (NM_022650.3); c.934-18670T>C (NM_001364075.2).
Identifiers: ClinVar variation 1754274 (VCV001754274.10), dbSNP rs1241440895, ClinGen allele CA445184114.

ClinVar aggregate classification (germline): Likely benign. Review status: criteria provided, multiple submitters, no conflicts (2 of 4 stars). 2 submissions from 2 submitters: Likely benign (2). Last evaluated 2025-07-01.

Conditions:
Cardiovascular phenotype. Identifiers: MedGen CN230736.

Allele frequency attached by ClinVar (database versions not stated): gnomAD 0.00001.
gnomAD v4.1: 1 of 1,613,752 alleles (0.000062%); highest among the groups gnomAD compares: Non-Finnish European, 0.000085%; no homozygotes.

Submissions (2):

CeGaT Center for Human Genetics Tuebingen
Classification: Likely benign. Last evaluated: 2025-07-01. Review status: criteria provided, single submitter. Criteria: CeGaT Center For Human Genetics Tuebingen Variant Classification Criteria Version 2. Collection method: clinical testing. Allele origin: germline. Affected: yes. Observed: 1 variant allele.
Comment: RASA1: BP4, BP7

Ambry Genetics
Classification: Likely benign for Cardiovascular phenotype. Last evaluated: 2021-02-14. Review status: criteria provided, single submitter. Criteria: Ambry Variant Classification Scheme 2023. Collection method: clinical testing. Allele origin: germline.